The following is an entry in ClinVar:

ClinVar aggregate classification (germline): Uncertain significance. Review status: criteria provided, multiple submitters, no conflicts (2 of 4 stars). 2 submissions from 2 submitters: Uncertain significance (2). Last evaluated 2025-10-15.

Allele frequency attached by ClinVar (database versions not stated): TOPMed below 0.00001.
gnomAD v4.1: 2 of 1,608,604 alleles (0.00012%); highest among the groups gnomAD compares: Non-Finnish European, 0.00017%; no homozygotes.

Submissions (2):

Mayo Clinic Laboratories, Mayo Clinic
Classification: Uncertain significance. Last evaluated: 2025-10-15. Review status: criteria provided, single submitter. Criteria: ACMG Guidelines, 2015. Collection method: clinical testing. Allele origin: germline. Observed: 1 variant allele.
Comment: BP4_strong, PM2_supporting

Labcorp Genetics (formerly Invitae), Labcorp
Classification: Uncertain significance. Last evaluated: 2022-07-22. Review status: criteria provided, single submitter. Criteria: Invitae Variant Classification Sherloc (09022015). Collection method: clinical testing. Allele origin: germline.
Comment: This sequence change replaces lysine, which is basic and polar, with asparagine, which is neutral and polar, at codon 1594 of the VPS13C protein (p.Lys1594Asn). This variant is not present in population databases (gnomAD no frequency). This variant has not been reported in the literature in individuals affected with VPS13C-related conditions. Algorithms developed to predict the effect of missense changes on protein structure and function output the following: SIFT: "Tolerated"; PolyPhen-2: "Benign"; Align-GVGD: "Class C0". The asparagine amino acid residue is found in multiple mammalian species, which suggests that this missense change does not adversely affect protein function. In summary, the available evidence is currently insufficient to determine the role of this variant in disease. Therefore, it has been classified as a Variant of Uncertain Significance.

NM_020821.3(VPS13C):c.4782G>T (p.Lys1594Asn)

Gene: VPS13C (vacuolar protein sorting 13 homolog C; minus strand). Cytogenetic location: 15q22.2.
Variant type: single nucleotide variant.
Coding change: c.4782G>T on transcript NM_020821.3 (MANE Select); coding-DNA position 4782, G replaced by T.
Protein change: p.Lys1594Asn; replaces lysine 1594 with asparagine.
Molecular consequence: missense variant.
Genome position (GRCh38, 1-based): chr15:61,947,287, C>A on the plus strand (G>T on the coding strand, the complement: VPS13C is on the minus strand). VCF-style: chr15-61947287-C-A. GRCh37 (hg19) VCF-style: chr15-62239486-C-A.
Other names: p.Lys1594Asn; c.4782G>T, p.Lys1594Asn (NM_001018088.3); c.4653G>T, p.Lys1551Asn (NM_017684.5, NM_018080.4); short protein forms K1551N, K1594N.
Identifiers: ClinVar variation 1958684 (VCV001958684.6), dbSNP rs755010480, ClinGen allele CA271913980.
Genomic context (GRCh38, chr15:61,947,287, plus strand): 5'-ATCACAGACAAAGACATTAAATGCATTTAATTCAGCTGTGATCTTTAAATCAAACACATC[C>A]TTTTGGGAAATGTTGCTGGATACTAAAAAATAATAGAAACCTTCTGATGAGCAAAGGGAA-3'
Protein context (NP_065872.1, residues 1584-1604): VKAVSSNISQ[Lys1594Asn]DVFDLKITAE